The following is an entry in ClinVar:

ClinVar aggregate classification (germline): Uncertain significance. Review status: criteria provided, multiple submitters, no conflicts (2 of 4 stars). 2 submissions from 2 submitters: Uncertain significance (2). Last evaluated 2022-09-08.

Conditions:
Evans syndrome, immunodeficiency, and premature immunosenescence associated with tripeptidyl-peptidase II deficiency. Identifiers: MedGen CN231723. Disease mechanism: loss of function.

Allele frequency attached by ClinVar (database versions not stated): ExAC 0.00004; gnomAD exomes 0.00006 and 0.00009; TOPMed 0.00006; gnomAD 0.00007; ESP Exome Variant Server 0.00008; 1000 Genomes Project 30x 0.00016; 1000 Genomes Project 0.00020.
gnomAD v4.1: 149 of 1,613,654 alleles (0.0092%); highest among the groups gnomAD compares: Non-Finnish European, 0.011%; no homozygotes.

Submissions (2):

Labcorp Genetics (formerly Invitae), Labcorp
Classification: Uncertain significance for Evans syndrome, immunodeficiency, and premature immunosenescence associated with tripeptidyl-peptidase II deficiency. Last evaluated: 2022-09-08. Review status: criteria provided, single submitter. Criteria: Invitae Variant Classification Sherloc (09022015). Collection method: clinical testing. Allele origin: germline.
Comment: This sequence change replaces asparagine, which is neutral and polar, with serine, which is neutral and polar, at codon 1179 of the TPP2 protein (p.Asn1179Ser). This variant is present in population databases (rs369137250, gnomAD 0.01%). This variant has not been reported in the literature in individuals affected with TPP2-related conditions. ClinVar contains an entry for this variant (Variation ID: 650283). Algorithms developed to predict the effect of missense changes on protein structure and function output the following: SIFT: "Tolerated"; PolyPhen-2: "Benign"; Align-GVGD: "Class C0". The serine amino acid residue is found in multiple mammalian species, which suggests that this missense change does not adversely affect protein function. Algorithms developed to predict the effect of sequence changes on RNA splicing suggest that this variant may create or strengthen a splice site. In summary, the available evidence is currently insufficient to determine the role of this variant in disease. Therefore, it has been classified as a Variant of Uncertain Significance.

Breakthrough Genomics
Classification: Uncertain significance. Review status: criteria provided, single submitter. Criteria: ACMG Guidelines, 2015. Collection method: not provided. Allele origin: germline. Inheritance: Autosomal recessive inheritance. Affected: yes.

NM_001330588.2(TPP2):c.3575A>G (p.Asn1192Ser)

Gene: TPP2 (tripeptidyl peptidase 2; plus strand). Cytogenetic location: 13q33.1.
Variant type: single nucleotide variant.
Coding change: c.3575A>G on transcript NM_001330588.2 (MANE Select); coding-DNA position 3575, A replaced by G.
Protein change: p.Asn1192Ser; replaces asparagine 1192 with serine.
Molecular consequence: missense variant. On other transcripts: non-coding transcript variant (1).
Genome position (GRCh38, 1-based): chr13:102,674,486, A>G. VCF-style: chr13-102674486-A-G. GRCh37 (hg19) VCF-style: chr13-103326836-A-G.
Other names: c.3575A>G, p.Asn1192Ser (LRG_1341t1); c.3662A>G, p.Asn1221Ser (NM_001367947.1); c.3536A>G, p.Asn1179Ser (NM_003291.4); short protein forms N1179S, N1221S, N1192S.
Identifiers: ClinVar variation 650283 (VCV000650283.5), dbSNP rs369137250, ClinGen allele CA7038299.